The following is an entry in ClinVar:

NM_005548.3(KARS1):c.388+74G>A

Gene: KARS1 (lysyl-tRNA synthetase 1; minus strand). Cytogenetic location: 16q23.1.
Variant type: single nucleotide variant.
Coding change: c.388+74G>A on transcript NM_005548.3 (MANE Select); 74 bases into the intron after coding-DNA position 388, G replaced by A.
Molecular consequence: intron variant.
Genome position (GRCh38, 1-based): chr16:75,640,110, C>T on the plus strand (G>A on the coding strand, the complement: KARS1 is on the minus strand). VCF-style: chr16-75640110-C-T. GRCh37 (hg19) VCF-style: chr16-75674008-C-T.
Other names: c.472+74G>A (NM_001130089.2); c.-81+74G>A (NM_001378148.1).
Identifiers: ClinVar variation 682041 (VCV000682041.2), dbSNP rs112603638, ClinGen allele CA284324036.
Genomic context (GRCh38, chr16:75,640,110, plus strand): 5'-GCACTGTCCTTAGTAAAGTAGCTTCAGACACAGGCTACTTGAGAACAAGACCAACCCAGA[C>T]CTTCCCTTGTGCTACTGAAGCCGCAGGCCTACCTGCTGTGGGAGTTCAGTGATTTGCCAG-3'

ClinVar aggregate classification (germline): Benign. Review status: criteria provided, multiple submitters, no conflicts (2 of 4 stars). 2 submissions from 2 submitters: Benign (2). Last evaluated 2018-06-16.

Allele frequency attached by ClinVar (database versions not stated): gnomAD exomes 0.02077; gnomAD 0.02584; TOPMed 0.03137; 1000 Genomes Project 0.04992; 1000 Genomes Project 30x 0.05106.
gnomAD v4.1: 28,753 of 1,301,640 alleles (2.2%); highest among the groups gnomAD compares: South Asian, 6.5%; 549 homozygotes.

Submissions (2):

GeneDx
Classification: Benign. Last evaluated: 2018-06-16. Review status: criteria provided, single submitter. Criteria: GeneDx Variant Classification (06012015). Collection method: clinical testing. Allele origin: germline. Affected: yes.
Comment: This variant is considered likely benign or benign based on one or more of the following criteria: it is a conservative change, it occurs at a poorly conserved position in the protein, it is predicted to be benign by multiple in silico algorithms, and/or has population frequency not consistent with disease.

Breakthrough Genomics
Classification: Benign. Review status: criteria provided, single submitter. Criteria: ACMG Guidelines, 2015. Collection method: not provided. Allele origin: germline. Inheritance: Autosomal recessive inheritance. Affected: yes.